The following is an entry in ClinVar:

ClinVar aggregate classification (germline): Benign/Likely benign. Review status: criteria provided, multiple submitters, no conflicts (2 of 4 stars). 3 submissions from 3 submitters: Benign (1); Likely benign (2). Last evaluated 2024-03-14.

Conditions:
Hereditary cancer-predisposing syndrome. Also called: Hereditary Cancer Syndrome; Hereditary neoplastic syndrome; Tumor predisposition; Neoplastic Syndromes, Hereditary. Identifiers: Orphanet 140162, MedGen C0027672, MeSH D009386, MONDO:0015356.
Familial adenomatous polyposis 1 (FAP1). Also called: FAMILIAL ADENOMATOUS POLYPOSIS 1, ATTENUATED; POLYPOSIS, ADENOMATOUS INTESTINAL. Identifiers: MedGen C2713442, MONDO:0021056, OMIM 175100. Disease mechanism: loss of function.

Allele frequency attached by ClinVar (database versions not stated): gnomAD exomes below 0.00001; ExAC 0.00001.
gnomAD v4.1: 1 of 1,614,178 alleles (0.000062%); highest among the groups gnomAD compares: Non-Finnish European, 0.000085%; no homozygotes.

Submissions (3):

Myriad Genetics, Inc.
Classification: Benign for Familial adenomatous polyposis 1. Last evaluated: 2024-03-14. Review status: criteria provided, single submitter. Criteria: Myriad Autosomal Dominant, Autosomal Recessive and X-Linked Classification Criteria (2023). Collection method: clinical testing. Allele origin: unknown.
Comment: This variant is considered benign. This variant is a silent/synonymous amino acid change and it is not expected to impact splicing.

Labcorp Genetics (formerly Invitae), Labcorp
Classification: Likely benign for Familial adenomatous polyposis 1. Last evaluated: 2020-10-19. Review status: criteria provided, single submitter. Criteria: Invitae Variant Classification Sherloc (09022015). Collection method: clinical testing. Allele origin: germline.

Ambry Genetics
Classification: Likely benign for Hereditary cancer-predisposing syndrome. Last evaluated: 2019-10-30. Review status: criteria provided, single submitter. Criteria: Ambry Variant Classification Scheme 2023. Collection method: clinical testing. Allele origin: germline.

NM_000038.6(APC):c.2565A>G (p.Glu855=)

Gene: APC (APC regulator of Wnt signaling pathway; plus strand). Cytogenetic location: 5q22.2.
Variant type: single nucleotide variant.
Coding change: c.2565A>G on transcript NM_000038.6 (MANE Select); coding-DNA position 2565, A replaced by G.
Protein change: p.Glu855=; no amino-acid change (glutamic acid 855 retained).
Molecular consequence: synonymous variant.
Genome position (GRCh38, 1-based): chr5:112,838,159, A>G. VCF-style: chr5-112838159-A-G. GRCh37 (hg19) VCF-style: chr5-112173856-A-G.
Other names: c.2565A>G, p.Glu855= (NM_001127510.3, NM_001354895.2); c.2511A>G, p.Glu837= (NM_001127511.3); c.2619A>G, p.Glu873= (NM_001354896.2); c.2595A>G, p.Glu865= (NM_001354897.2); c.2490A>G, p.Glu830= (NM_001354898.2); c.2481A>G, p.Glu827= (NM_001354899.2); c.2442A>G, p.Glu814= (NM_001354900.2); c.2388A>G, p.Glu796= (NM_001354901.2); and 5 more.
Identifiers: ClinVar variation 1078511 (VCV001078511.12), dbSNP rs763603183, ClinGen allele CA032501.